The following is an entry in ClinVar:

ClinVar aggregate classification (germline): Benign (1 of 4 stars; one submission).

Submission:

CeGaT Center for Human Genetics Tuebingen
Classification: Benign. Last evaluated: 2025-12-01. Review status: criteria provided, single submitter. Criteria: CeGaT Center For Human Genetics Tuebingen Variant Classification Criteria Version 2. Collection method: clinical testing. Allele origin: germline. Affected: yes. Observed: 1 variant allele.
Comment: LRRC19: BS1, BS2

NM_022901.3(LRRC19):c.110del (p.Asn37fs)

Genes: IFT74 (intraflagellar transport 74; plus strand), LRRC19 (leucine rich repeat containing 19; minus strand). Cytogenetic location: 9p21.2.
Variant type: Deletion.
Coding change: c.110del on transcript NM_022901.3 (MANE Select); coding-DNA position 110, one base deleted (A; older notation c.110delA).
Protein change: p.Asn37fs; shifts the reading frame from asparagine 37.
Molecular consequence: frameshift variant. On other transcripts: intron variant (5).
Genome position (GRCh38, 1-based): chr9:26,998,213, T deleted on the plus strand (A on the coding strand, the reverse complement: LRRC19 is on the minus strand); the first of 7 consecutive T bases (chr9:26,998,213-26,998,219); deleting any one gives the same sequence. VCF-style (leftmost placement, unchanged base first): chr9-26998212-AT-A. GRCh37 (hg19) VCF-style: chr9-26998210-AT-A.
Other names: c.587+8024del (NM_001099223.3, NM_001099222.3, NM_001349928.2 and 2 more transcripts); short protein forms N37fs.
Identifiers: ClinVar variation 4681270 (VCV004681270.5).